The following is an entry in ClinVar:

ClinVar aggregate classification (germline): Uncertain significance. Review status: criteria provided, multiple submitters, no conflicts (2 of 4 stars). 2 submissions from 2 submitters: Uncertain significance (2). Last evaluated 2024-12-08.

Conditions:
Inborn genetic diseases. Identifiers: MedGen C0950123, MeSH D030342.

Allele frequency attached by ClinVar (database versions not stated): TOPMed 0.00001.
gnomAD v4.1: 1 of 1,613,456 alleles (0.000062%); highest among the groups gnomAD compares: Non-Finnish European, 0.000085%; no homozygotes.

Submissions (2):

Ambry Genetics
Classification: Uncertain significance for Inborn genetic diseases. Last evaluated: 2024-12-08. Review status: criteria provided, single submitter. Criteria: Ambry Variant Classification Scheme 2023. Collection method: clinical testing. Allele origin: germline.
Comment: The p.T953I variant (also known as c.2858C>T), located in coding exon 1 of the SAMD9 gene, results from a C to T substitution at nucleotide position 2858. The threonine at codon 953 is replaced by isoleucine, an amino acid with similar properties. This amino acid position is conserved. In addition, this alteration is predicted to be tolerated by in silico analysis. Based on the available evidence, the clinical significance of this variant remains unclear.

Labcorp Genetics (formerly Invitae), Labcorp
Classification: Uncertain significance. Last evaluated: 2024-07-01. Review status: criteria provided, single submitter. Criteria: Invitae Variant Classification Sherloc (09022015). Collection method: clinical testing. Allele origin: germline.
Comment: This sequence change replaces threonine, which is neutral and polar, with isoleucine, which is neutral and non-polar, at codon 953 of the SAMD9 protein (p.Thr953Ile). This variant is present in population databases (no rsID available, gnomAD 0.007%). This variant has not been reported in the literature in individuals affected with SAMD9-related conditions. Advanced modeling of protein sequence and biophysical properties (such as structural, functional, and spatial information, amino acid conservation, physicochemical variation, residue mobility, and thermodynamic stability) performed at Invitae indicates that this missense variant is not expected to disrupt SAMD9 protein function with a negative predictive value of 95%. In summary, the available evidence is currently insufficient to determine the role of this variant in disease. Therefore, it has been classified as a Variant of Uncertain Significance.

NM_017654.4(SAMD9):c.2858C>T (p.Thr953Ile)

Gene: SAMD9 (sterile alpha motif domain containing 9; minus strand). Cytogenetic location: 7q21.2.
Variant type: single nucleotide variant.
Coding change: c.2858C>T on transcript NM_017654.4 (MANE Select); coding-DNA position 2858, C replaced by T.
Protein change: p.Thr953Ile; replaces threonine 953 with isoleucine.
Molecular consequence: missense variant.
Genome position (GRCh38, 1-based): chr7:93,103,240, G>A on the plus strand (C>T on the coding strand, the complement: SAMD9 is on the minus strand). VCF-style: chr7-93103240-G-A. GRCh37 (hg19) VCF-style: chr7-92732553-G-A.
Other names: c.2858C>T (NM_017654.3); c.2858C>T, p.Thr953Ile (NM_001193307.2); short protein forms T953I.
Identifiers: ClinVar variation 3021715 (VCV003021715.4), dbSNP rs1334986461, ClinGen allele CA368189387.